The following is an entry in ClinVar:

NM_002180.3(IGHMBP2):c.1306C>T (p.Arg436Trp)

Gene: IGHMBP2 (immunoglobulin mu DNA binding protein 2; plus strand). Cytogenetic location: 11q13.3.
Variant type: single nucleotide variant.
Coding change: c.1306C>T on transcript NM_002180.3 (MANE Select); coding-DNA position 1306, C replaced by T.
Protein change: p.Arg436Trp; replaces arginine 436 with tryptophan.
Molecular consequence: missense variant.
Genome position (GRCh38, 1-based): chr11:68,933,369, C>T. VCF-style: chr11-68933369-C-T. GRCh37 (hg19) VCF-style: chr11-68700837-C-T.
Other names: short protein forms R436W.
Identifiers: ClinVar variation 856821 (VCV000856821.18), dbSNP rs138327042, ClinGen allele CA6153600.

ClinVar aggregate classification (germline): Conflicting classifications of pathogenicity. Review status: criteria provided, conflicting classifications (1 of 4 stars). 5 submissions from 5 submitters: Uncertain significance (4); Likely benign (1). Last evaluated 2025-11-13.

Conditions:
Inborn genetic diseases. Identifiers: MedGen C0950123, MeSH D030342.
Charcot-Marie-Tooth disease axonal type 2S. Also called: CHARCOT-MARIE-TOOTH DISEASE, AXONAL, AUTOSOMAL RECESSIVE, TYPE 2S; CHARCOT-MARIE-TOOTH NEUROPATHY, TYPE 2S. Identifiers: Orphanet 443073, MedGen C4015349, MONDO:0014511, OMIM 616155.
Autosomal recessive distal spinal muscular atrophy 1. Also called: HMN VI; NEURONOPATHY, SEVERE INFANTILE AXONAL, WITH RESPIRATORY FAILURE; Spinal muscular atrophy with respiratory distress 1; SEVERE INFANTILE AXONAL NEUROPATHY WITH RESPIRATORY FAILURE; SPINAL MUSCULAR ATROPHY, DIAPHRAGMATIC; NEURONOPATHY, DISTAL HEREDITARY MOTOR, HARDING TYPE VI. Identifiers: Orphanet 98920, MedGen C1858517, MONDO:0011436, OMIM 604320.

Allele frequency attached by ClinVar (database versions not stated): gnomAD exomes 0.00003 and 0.00008; ExAC 0.00009; ESP Exome Variant Server 0.00023; gnomAD 0.00025 and 0.00031; TOPMed 0.00025; 1000 Genomes Project 30x 0.00031; 1000 Genomes Project 0.00040.

Submissions (5):

Ambry Genetics
Classification: Uncertain significance for Inborn genetic diseases. Last evaluated: 2025-11-13. Review status: criteria provided, single submitter. Criteria: Ambry Variant Classification Scheme 2023. Collection method: clinical testing. Allele origin: germline.

Labcorp Genetics (formerly Invitae), Labcorp
Classification: Likely benign for Autosomal recessive distal spinal muscular atrophy 1; Charcot-Marie-Tooth disease axonal type 2S. Last evaluated: 2025-07-22. Review status: criteria provided, single submitter. Criteria: Invitae Variant Classification Sherloc (09022015). Collection method: clinical testing. Allele origin: germline.

Women's Health and Genetics/Laboratory Corporation of America, LabCorp
Classification: Uncertain significance. Last evaluated: 2025-04-16. Review status: criteria provided, single submitter. Criteria: LabCorp Variant Classification Summary - May 2015. Collection method: clinical testing. Allele origin: germline.
Comment: Variant summary: IGHMBP2 c.1306C>T (p.Arg436Trp) results in a non-conservative amino acid change located in the Helicase superfamily 1/2, ATP-binding domain (IPR014001) of the encoded protein sequence. Five of five in-silico tools predict a damaging effect of the variant on protein function. The variant allele was found at a frequency of 8.1e-05 in 248048 control chromosomes. This frequency is not significantly higher than estimated for a pathogenic variant in IGHMBP2 causing Charcot-Marie-Tooth disease axonal type 2S (8.1e-05 vs 0.0011), allowing no conclusion about variant significance. To our knowledge, no occurrence of c.1306C>T in individuals affected with Charcot-Marie-Tooth disease axonal type 2S and no experimental evidence demonstrating its impact on protein function have been reported. ClinVar contains an entry for this variant (Variation ID: 856821). Based on the evidence outlined above, the variant was classified as uncertain significance.

GeneDx
Classification: Uncertain significance. Last evaluated: 2024-09-06. Review status: criteria provided, single submitter. Criteria: GeneDx Variant Classification Process June 2021. Collection method: clinical testing. Allele origin: germline. Affected: yes.
Comment: In silico analysis supports that this missense variant has a deleterious effect on protein structure/function; Has not been previously published as pathogenic or benign to our knowledge; This variant is associated with the following publications: (PMID: 22965130, 24388491, 25439726)

Blueprint Genetics
Classification: Uncertain significance. Last evaluated: 2022-11-25. Review status: criteria provided, single submitter. Criteria: ACMG Guidelines, 2015. Collection method: clinical testing. Allele origin: germline.